The following is an entry in ClinVar:

ClinVar aggregate classification (germline): Benign (0 of 4 stars; one submission).

Conditions:
ZNF804A-related disorder. Also called: ZNF804A-related condition.

Allele frequency attached by ClinVar (database versions not stated): gnomAD exomes 0.00022; ExAC 0.00075; gnomAD 0.00198; ESP Exome Variant Server 0.00200; TOPMed 0.00215; 1000 Genomes Project 0.00339; 1000 Genomes Project 30x 0.00344.
gnomAD v4.1: 629 of 1,614,092 alleles (0.039%); highest among the groups gnomAD compares: African/African-American, 0.77%; 2 homozygotes.

Submission:

PreventionGenetics, part of Exact Sciences
Classification: Benign for ZNF804A-related condition. Last evaluated: 2020-01-20. Review status: no assertion criteria provided. Collection method: clinical testing. Allele origin: germline.
Comment: This variant is classified as benign based on ACMG/AMP sequence variant interpretation guidelines (Richards et al. 2015 PMID: 25741868, with internal and published modifications).

NM_194250.2(ZNF804A):c.2275A>G (p.Asn759Asp)

Gene: ZNF804A (zinc finger protein 804A; plus strand). Cytogenetic location: 2q32.1.
Variant type: single nucleotide variant.
Coding change: c.2275A>G on transcript NM_194250.2 (MANE Select); coding-DNA position 2275, A replaced by G.
Protein change: p.Asn759Asp; replaces asparagine 759 with aspartic acid.
Molecular consequence: missense variant.
Genome position (GRCh38, 1-based): chr2:184,937,671, A>G. VCF-style: chr2-184937671-A-G. GRCh37 (hg19) VCF-style: chr2-185802398-A-G.
Other names: short protein forms N759D.
Identifiers: ClinVar variation 3051837 (VCV003051837.2), dbSNP rs116133259, ClinGen allele CA2016112.